The following is an entry in ClinVar:

ClinVar aggregate classification (germline): Likely pathogenic (1 of 4 stars; one submission).

Conditions:
Biotin-responsive basal ganglia disease (BTBGD). Also called: Thiamine metabolism dysfunction syndrome type 2; Thiamine Transporter-2 Deficiency; Thiamine metabolism dysfunction syndrome 2 (biotin- or thiamine-responsive encephalopathy type 2); thiamine-responsive encephalopathy; THIAMINE METABOLISM DYSFUNCTION SYNDROME 2 (BIOTIN- AND THIAMINE-RESPONSIVE TYPE). Identifiers: Orphanet 199348, Orphanet 65284, MedGen C1843807, MONDO:0011841, OMIM 607483.

Submission:

Women's Health and Genetics/Laboratory Corporation of America, LabCorp
Classification: Likely pathogenic for Biotin-responsive basal ganglia disease. Last evaluated: 2023-03-10. Review status: criteria provided, single submitter. Criteria: LabCorp Variant Classification Summary - May 2015. Collection method: clinical testing. Allele origin: germline.
Comment: Variant summary: The variant identified by MLPA or other technology involves the partial deletion of exon 3 in the SLC19A3 gene. A presumed nomenclature of c.727_(979+1_980-1)del has been designated for the purposes of this classification. Although exact breakpoints of this deletion are not known, it is expected to result in the partial deletion of exon 3, together with the abolishment of a canonical splice-site, likely resulting in a truncation at the protein level, a known mechanism of disease. The variant was absent in 20964 control chromosomes (gnomAD database, structural variants dataset). To our knowledge, no occurrence of c.727_(979+1_980-1)del in individuals affected with Basal ganglia disease, biotin-thiamine-responsive and no experimental evidence demonstrating its impact on protein function have been reported. No clinical diagnostic laboratories have submitted clinical-significance assessments for this variant to ClinVar after 2014. Based on the evidence outlined above, the variant was classified as likely pathogenic.

NC_000002.11:g.(228560798_228563451)_228563704del

Gene: SLC19A3 (solute carrier family 19 member 3; minus strand). Cytogenetic location: 2q36.3.
Variant type: Deletion.
Identifiers: ClinVar variation 2501261 (VCV002501261.1).